The following is an entry in ClinVar:

NM_001148.6(ANK2):c.5509G>A (p.Ala1837Thr)

Genes: ANK2 (ankyrin 2; plus strand), LOC126807136 (MED14-independent group 3 enhancer GRCh37_chr4:114274931-114276130; plus strand). Cytogenetic location: 4q26.
Variant type: single nucleotide variant.
Coding change: c.5509G>A on transcript NM_001148.6 (MANE Select); coding-DNA position 5509, G replaced by A.
Protein change: p.Ala1837Thr; replaces alanine 1837 with threonine.
Molecular consequence: missense variant. On other transcripts: intron variant (68).
Genome position (GRCh38, 1-based): chr4:113,354,127, G>A. VCF-style: chr4-113354127-G-A. GRCh37 (hg19) VCF-style: chr4-114275283-G-A.
Other names: c.5275G>A, p.Ala1759Thr (NM_001386142.1); c.1909G>A, p.Ala637Thr (NM_001386166.1); c.5650G>A, p.Ala1884Thr (NM_001386174.1); c.5626G>A, p.Ala1876Thr (NM_001386175.1); c.4411+3878G>A (NM_001386186.2, NM_001386148.2); c.4213+3878G>A (NM_001354269.3); c.4291+3878G>A (NM_001386187.2); c.4252+3878G>A (NM_001386147.1); and 35 more; short protein forms A1837T, A1759T, A1876T, A1884T, A637T.
Identifiers: ClinVar variation 222498 (VCV000222498.31), dbSNP rs199527708, ClinGen allele CA068274.
Genomic context (GRCh38, chr4:113,354,127, plus strand): 5'-AGACATGCGCCAGGGTCTCCCTCCCCTAAAACAGAAAGACACTCTACTCTTTCCTCTTCC[G>A]CAAAAACTGAAAGGCACCCTCCAGTATCACCATCAAGTAAAACTGAGAAACACTCACCTG-3'
Protein context (NP_001139.3, residues 1827-1847): TERHSTLSSS[Ala1837Thr]KTERHPPVSP

ClinVar aggregate classification (germline): Conflicting classifications of pathogenicity. Review status: criteria provided, conflicting classifications (1 of 4 stars). 8 submissions from 8 submitters: Uncertain significance (3); Benign (1); Likely benign (4). Last evaluated 2026-08-24.

Conditions:
Cardiovascular phenotype. Identifiers: MedGen CN230736.
Long QT syndrome (LQTS). Identifiers: MedGen C0023976, MeSH D008133, MONDO:0002442. Disease mechanism: loss of function. Inheritance: Various modes of inheritance.
Cardiac arrhythmia, ankyrin-B-related. Also called: ANKYRIN-B SYNDROME. Identifiers: Orphanet 101016, Orphanet 768, MedGen C1970119, MONDO:0010958, OMIM 600919.

Allele frequency attached by ClinVar (database versions not stated): gnomAD 0.00024 and 0.00023; TOPMed 0.00024; ESP Exome Variant Server 0.00031; gnomAD exomes 0.00014 and 0.00018; ExAC 0.00020.
gnomAD v4.1: 290 of 1,613,884 alleles (0.018%); highest among the groups gnomAD compares: Middle Eastern, 0.049%; no homozygotes.

Submissions (8):

GeneDx
Classification: Uncertain significance. Last evaluated: 2026-08-24. Review status: criteria provided, single submitter. Criteria: GeneDx Variant Classification Process June 2021. Collection method: clinical testing. Allele origin: germline.
Comment: Identified in a patient with sudden cardiac arrest in published literature (PMID: 28600387); Located in exon 38, which is reported as being expressed in a brain-specific transcript (PMID: 1830053, 18790697, 26109584); In silico analysis suggests that this missense variant does not alter protein structure/function; This variant is associated with the following publications: (PMID: 25326804, 26164358, 30564305, 1830053, 18790697, 26109584, 28600387)

CeGaT Center for Human Genetics Tuebingen
Classification: Likely benign. Last evaluated: 2026-03-01. Review status: criteria provided, single submitter. Criteria: CeGaT Center For Human Genetics Tuebingen Variant Classification Criteria Version 2. Collection method: clinical testing. Allele origin: germline. Affected: yes. Observed: 2 variant alleles.
Comment: ANK2: BP4

Labcorp Genetics (formerly Invitae), Labcorp
Classification: Benign for Long QT syndrome. Last evaluated: 2025-12-15. Review status: criteria provided, single submitter. Criteria: Invitae Variant Classification Sherloc (09022015). Collection method: clinical testing. Allele origin: germline.

Laboratory of Genetics, Children's Clinical University Hospital Latvia
Classification: Likely benign. Last evaluated: 2025-02-16. Review status: criteria provided, single submitter. Criteria: ACMG Guidelines, 2015. Collection method: clinical testing. Allele origin: germline. Affected: yes.

Blueprint Genetics
Classification: Likely benign. Last evaluated: 2024-10-09. Review status: criteria provided, single submitter. Criteria: ACMG Guidelines, 2015. Collection method: clinical testing. Allele origin: germline.

Ambry Genetics
Classification: Likely benign for Cardiovascular phenotype. Last evaluated: 2022-06-03. Review status: criteria provided, single submitter. Criteria: Ambry Variant Classification Scheme 2023. Collection method: clinical testing. Allele origin: germline.

Fulgent Genetics
Classification: Uncertain significance for Cardiac arrhythmia, ankyrin-B-related. Last evaluated: 2021-10-12. Review status: criteria provided, single submitter. Criteria: ACMG Guidelines, 2015. Collection method: clinical testing. Allele origin: unknown.

Illumina Laboratory Services, Illumina
Classification: Uncertain significance for Cardiac arrhythmia, ankyrin-B-related. Last evaluated: 2017-04-27. Review status: criteria provided, single submitter. Criteria: ICSL Variant Classification Criteria 13 December 2019. Collection method: clinical testing. Allele origin: germline.